The following is an entry in ClinVar:

NM_001297.5(CNGB1):c.2492+1G>T

Gene: CNGB1 (cyclic nucleotide gated channel subunit beta 1; minus strand). Cytogenetic location: 16q21.
Variant type: single nucleotide variant.
Coding change: c.2492+1G>T on transcript NM_001297.5 (MANE Select); the canonical splice donor site of the intron after coding-DNA position 2492, G replaced by T.
Molecular consequence: splice donor variant.
Genome position (GRCh38, 1-based): chr16:57,911,752, C>A on the plus strand (G>T on the coding strand, the complement: CNGB1 is on the minus strand). VCF-style: chr16-57911752-C-A. GRCh37 (hg19) VCF-style: chr16-57945656-C-A.
Other names: c.2474+1G>T (NM_001286130.2).
Identifiers: ClinVar variation 4763612 (VCV004763612.1).

ClinVar aggregate classification (germline): Pathogenic (1 of 4 stars; one submission).

gnomAD v4.1: 4 of 1,613,882 alleles (0.00025%); highest among the groups gnomAD compares: African/African-American, 0.0053%; no homozygotes.

Submission:

Labcorp Genetics (formerly Invitae), Labcorp
Classification: Pathogenic. Last evaluated: 2025-10-14. Review status: criteria provided, single submitter. Criteria: Invitae Variant Classification Sherloc (09022015). Collection method: clinical testing. Allele origin: germline.
Comment: This sequence change affects a donor splice site in intron 25 of the CNGB1 gene. It is expected to disrupt RNA splicing. Variants that disrupt the donor or acceptor splice site typically lead to a loss of protein function (PMID: 16199547), and loss-of-function variants in CNGB1 are known to be pathogenic (PMID: 15557452, 24043777). This variant is present in population databases (rs530551814, gnomAD 0.02%). Disruption of this splice site has been observed in individual(s) with retinitis pigmentosa (PMID: 29800053). In at least one individual the data is consistent with being in trans (on the opposite chromosome) from a pathogenic variant. Algorithms developed to predict the effect of sequence changes on RNA splicing suggest that this variant may disrupt the consensus splice site. For these reasons, this variant has been classified as Pathogenic.

Literature cited by the submitters: PubMed 16199547; PubMed 15557452; PubMed 24043777; PubMed 29800053.